The following is an entry in ClinVar:

ClinVar aggregate classification (germline): Uncertain significance (1 of 4 stars; one submission).

Allele frequency attached by ClinVar (database versions not stated): TOPMed 0.00001; gnomAD 0.00002; ESP Exome Variant Server 0.00008.
gnomAD v4.1: 3 of 1,614,058 alleles (0.00019%); highest among the groups gnomAD compares: African/African-American, 0.004%; no homozygotes.

Submission:

Labcorp Genetics (formerly Invitae), Labcorp
Classification: Uncertain significance. Last evaluated: 2023-10-23. Review status: criteria provided, single submitter. Criteria: Invitae Variant Classification Sherloc (09022015). Collection method: clinical testing. Allele origin: germline.
Comment: This sequence change replaces histidine, which is basic and polar, with aspartic acid, which is acidic and polar, at codon 417 of the TRPV3 protein (p.His417Asp). This variant is not present in population databases (gnomAD no frequency). This variant has not been reported in the literature in individuals affected with TRPV3-related conditions. An algorithm developed to predict the effect of missense changes on protein structure and function (PolyPhen-2) suggests that this variant is likely to be disruptive. In summary, the available evidence is currently insufficient to determine the role of this variant in disease. Therefore, it has been classified as a Variant of Uncertain Significance.

NM_145068.4(TRPV3):c.1249C>G (p.His417Asp)

Gene: TRPV3 (transient receptor potential cation channel subfamily V member 3; minus strand). Cytogenetic location: 17p13.2.
Variant type: single nucleotide variant.
Coding change: c.1249C>G on transcript NM_145068.4 (MANE Select); coding-DNA position 1249, C replaced by G.
Protein change: p.His417Asp; replaces histidine 417 with aspartic acid.
Molecular consequence: missense variant.
Genome position (GRCh38, 1-based): chr17:3,528,989, G>C on the plus strand (C>G on the coding strand, the complement: TRPV3 is on the minus strand). VCF-style: chr17-3528989-G-C. GRCh37 (hg19) VCF-style: chr17-3432283-G-C.
Other names: c.1249C>G, p.His417Asp (NM_001258205.2); short protein forms H417D.
Identifiers: ClinVar variation 2996326 (VCV002996326.3), dbSNP rs145697357, ClinGen allele CA287006082.
Genomic context (GRCh38, chr17:3,528,989, plus strand): 5'-CAAACTTCTTCCACTTCATATGCAGCAGCGTGTGCAGCGGCTCCAGGGTCAGCATCTCAT[G>C]CCGGTTCTAGGGGTAGAATGCCACCAGTCACCATGGAGATGAGGGAGAGAGGGAGGGACC-3'
Protein context (NP_659505.1, residues 407-427): TVYNTNIDNR[His417Asp]EMLTLEPLHT